The following is an entry in ClinVar:

ClinVar aggregate classification (germline): Pathogenic (1 of 4 stars; one submission).

Conditions:
Rubinstein-Taybi syndrome (RSTS). Identifiers: Orphanet 783, MedGen C0035934, MONDO:0019188.

Submission:

Labcorp Genetics (formerly Invitae), Labcorp
Classification: Pathogenic for Rubinstein-Taybi syndrome. Last evaluated: 2019-02-24. Review status: criteria provided, single submitter. Criteria: Invitae Variant Classification Sherloc (09022015). Collection method: clinical testing. Allele origin: germline.
Comment: For these reasons, this variant has been classified as Pathogenic. Loss-of-function variants in CREBBP are known to be pathogenic (PMID: 17052327, 18792986). This variant has not been reported in the literature in individuals with CREBBP-related conditions. This variant is not present in population databases (ExAC no frequency). This sequence change creates a premature translational stop signal (p.Thr932Profs*66) in the CREBBP gene. It is expected to result in an absent or disrupted protein product.

Literature cited by the submitters: PubMed 17052327; PubMed 18792986.

NM_004380.3(CREBBP):c.2794del (p.Thr932fs)

Gene: CREBBP (CREB binding lysine acetyltransferase; minus strand). Cytogenetic location: 16p13.3.
Variant type: Deletion.
Coding change: c.2794del on transcript NM_004380.3 (MANE Select); coding-DNA position 2794, one base deleted (A; older notation c.2794delA).
Protein change: p.Thr932fs; shifts the reading frame from threonine 932.
Molecular consequence: frameshift variant.
Genome position (GRCh38, 1-based): chr16:3,770,656, T deleted on the plus strand (A on the coding strand, the reverse complement: CREBBP is on the minus strand); the first of 3 consecutive T bases (chr16:3,770,656-3,770,658); deleting any one gives the same sequence. VCF-style (leftmost placement, unchanged base first): chr16-3770655-GT-G. GRCh37 (hg19) VCF-style: chr16-3820656-GT-G.
Other names: c.2680del, p.Thr894fs (NM_001079846.1); short protein forms T932fs, T894fs.
Identifiers: ClinVar variation 846543 (VCV000846543.7), dbSNP rs2052980008, ClinGen allele CA916083478.